The following is an entry in ClinVar:

ClinVar aggregate classification (germline): Uncertain significance (1 of 4 stars; one submission).

Conditions:
Werner syndrome (WRN). Identifiers: Orphanet 902, MedGen C0043119, MONDO:0010196, OMIM 277700.

Submission:

Labcorp Genetics (formerly Invitae), Labcorp
Classification: Uncertain significance for Werner syndrome. Last evaluated: 2021-03-17. Review status: criteria provided, single submitter. Criteria: Invitae Variant Classification Sherloc (09022015). Collection method: clinical testing. Allele origin: germline.
Comment: This variant has not been reported in the literature in individuals with WRN-related conditions. This sequence change replaces asparagine with lysine at codon 23 of the WRN protein (p.Asn23Lys). The asparagine residue is weakly conserved and there is a moderate physicochemical difference between asparagine and lysine. This variant is not present in population databases (ExAC no frequency). Algorithms developed to predict the effect of missense changes on protein structure and function are either unavailable or do not agree on the potential impact of this missense change (SIFT: "Not Available"; PolyPhen-2: "Benign"; Align-GVGD: "Not Available"). In summary, the available evidence is currently insufficient to determine the role of this variant in disease. Therefore, it has been classified as a Variant of Uncertain Significance.

NM_000553.6(WRN):c.69T>A (p.Asn23Lys)

Gene: WRN (WRN RecQ like helicase; plus strand). Cytogenetic location: 8p12.
Variant type: single nucleotide variant.
Coding change: c.69T>A on transcript NM_000553.6 (MANE Select); coding-DNA position 69, T replaced by A.
Protein change: p.Asn23Lys; replaces asparagine 23 with lysine.
Molecular consequence: missense variant.
Genome position (GRCh38, 1-based): chr8:31,058,516, T>A. VCF-style: chr8-31058516-T-A. GRCh37 (hg19) VCF-style: chr8-30916032-T-A.
Other names: short protein forms N23K.
Identifiers: ClinVar variation 1379345 (VCV001379345.6), dbSNP rs2130001206, ClinGen allele CA370912235.